The following is an entry in ClinVar:

ClinVar aggregate classification (germline): Likely benign (1 of 4 stars; one submission).

Submission:

Women's Health and Genetics/Laboratory Corporation of America, LabCorp
Classification: Likely benign. Last evaluated: 2025-10-23. Review status: criteria provided, single submitter. Criteria: LabCorp Variant Classification Summary - May 2015. Collection method: clinical testing. Allele origin: germline.
Comment: Variant summary: KCNQ2 c.804C>G alters a conserved nucleotide resulting in a synonymous change. Consensus agreement among computation tools predict no significant impact on normal splicing. However, these predictions have yet to be confirmed by functional studies. The variant was absent in 251404 control chromosomes. The available data on variant occurrences in the general population are insufficient to allow any conclusion about variant significance. To our knowledge, no occurrence of c.804C>G in individuals affected with KCNQ2-related conditions and no experimental evidence demonstrating its impact on protein function have been reported. No submitters have cited clinical-significance assessments for this variant to ClinVar. Based on the evidence outlined above, the variant was classified as likely benign.

NM_172107.4(KCNQ2):c.804C>G (p.Leu268=)

Gene: KCNQ2 (potassium voltage-gated channel subfamily Q member 2; minus strand). Cytogenetic location: 20q13.33.
Variant type: single nucleotide variant.
Coding change: c.804C>G on transcript NM_172107.4 (MANE Select); coding-DNA position 804, C replaced by G.
Protein change: p.Leu268=; no amino-acid change (leucine 268 retained).
Molecular consequence: synonymous variant.
Genome position (GRCh38, 1-based): chr20:63,442,418, G>C on the plus strand (C>G on the coding strand, the complement: KCNQ2 is on the minus strand). VCF-style: chr20-63442418-G-C. GRCh37 (hg19) VCF-style: chr20-62073771-G-C.
Other names: c.804C>G, p.Leu268= (NM_001382235.1, NM_001439003.1, NM_001439004.1 and 4 more transcripts).
Identifiers: ClinVar variation 4687827 (VCV004687827.1).